The following is an entry in ClinVar:

ClinVar aggregate classification (germline): Benign/Likely benign. Review status: criteria provided, multiple submitters, no conflicts (2 of 4 stars). 4 submissions from 4 submitters: Benign (1); Likely benign (3). Last evaluated 2025-12-30.

Conditions:
PNPO-related disorder. Also called: PNPO-related disorders; PNPO-related condition.
Inborn genetic diseases. Identifiers: MedGen C0950123, MeSH D030342.
Pyridoxal phosphate-responsive seizures (PNPOD). Also called: Pyridoxal 5'-Phosphate (PLP)-Dependent Epilepsy; SEIZURES, PYRIDOXINE-RESISTANT, PLP-SENSITIVE; Pyridoxine-5'-phosphate oxidase deficiency; EPILEPTIC ENCEPHALOPATHY, NEONATAL, PNPO-RELATED; Pyridoxamine 5-Prime-Phosphate Oxidase Deficiency. Identifiers: Orphanet 79096, MedGen C1864723, MONDO:0012407, OMIM 610090. Disease mechanism: loss of function.

Allele frequency attached by ClinVar (database versions not stated): gnomAD exomes 0.00002 and 0.00009; gnomAD 0.00003; TOPMed 0.00004.
gnomAD v4.1: 131 of 1,614,000 alleles (0.0081%); highest among the groups gnomAD compares: Non-Finnish European, 0.01%; no homozygotes.

Submissions (4):

Labcorp Genetics (formerly Invitae), Labcorp
Classification: Likely benign for Pyridoxal phosphate-responsive seizures. Last evaluated: 2025-12-30. Review status: criteria provided, single submitter. Criteria: Invitae Variant Classification Sherloc (09022015). Collection method: clinical testing. Allele origin: germline.

PreventionGenetics, part of Exact Sciences
Classification: Likely benign for PNPO-related condition. Last evaluated: 2025-11-26. Review status: criteria provided, single submitter. Criteria: ACMG Guidelines, 2015. Collection method: clinical testing. Allele origin: germline.
Comment: This variant is classified as likely benign based on ACMG/AMP sequence variant interpretation guidelines (Richards et al. 2015 PMID: 25741868, with internal and published modifications).

Ambry Genetics
Classification: Likely benign for Inborn genetic diseases. Last evaluated: 2018-04-24. Review status: criteria provided, single submitter. Criteria: Ambry Variant Classification Scheme 2023. Collection method: clinical testing. Allele origin: germline.

GeneDx
Classification: Benign. Last evaluated: 2014-06-24. Review status: criteria provided, single submitter. Criteria: GeneDx Variant Classification (06012015). Collection method: clinical testing. Allele origin: germline. Affected: yes.
Comment: This variant is considered likely benign or benign based on one or more of the following criteria: it is a conservative change, it occurs at a poorly conserved position in the protein, it is predicted to be benign by multiple in silico algorithms, and/or has population frequency not consistent with disease.

NM_018129.4(PNPO):c.306C>T (p.Phe102=)

Gene: PNPO (pyridoxamine 5'-phosphate oxidase; plus strand). Cytogenetic location: 17q21.32.
Variant type: single nucleotide variant.
Coding change: c.306C>T on transcript NM_018129.4 (MANE Select); coding-DNA position 306, C replaced by T.
Protein change: p.Phe102=; no amino-acid change (phenylalanine 102 retained).
Molecular consequence: synonymous variant.
Genome position (GRCh38, 1-based): chr17:47,944,658, C>T. VCF-style: chr17-47944658-C-T. GRCh37 (hg19) VCF-style: chr17-46022024-C-T.
Other names: p.F102F:TTC>TTT.
Identifiers: ClinVar variation 206435 (VCV000206435.11), dbSNP rs796052866, ClinGen allele CA316539.